The following is an entry in ClinVar:

ClinVar aggregate classification (germline): Likely benign (0 of 4 stars; one submission).

Conditions:
IGSF1-related disorder. Also called: IGSF1-related condition.

Allele frequency attached by ClinVar (database versions not stated): gnomAD 0.00005; gnomAD exomes 0.00004; 1000 Genomes Project 30x 0.00021; ESP Exome Variant Server 0.00009; 1000 Genomes Project 0.00026; TOPMed 0.00003; ExAC 0.00013.
gnomAD v4.1: 46 of 1,208,698 alleles (0.0038%); highest among the groups gnomAD compares: South Asian, 0.019%; 1 homozygote.

Submission:

PreventionGenetics, part of Exact Sciences
Classification: Likely benign for IGSF1-related condition. Last evaluated: 2019-03-06. Review status: no assertion criteria provided. Collection method: clinical testing. Allele origin: germline.
Comment: This variant is classified as likely benign based on ACMG/AMP sequence variant interpretation guidelines (Richards et al. 2015 PMID: 25741868, with internal and published modifications).

NM_001555.5(IGSF1):c.1461C>T (p.Arg487=)

Gene: IGSF1 (immunoglobulin superfamily member 1; minus strand). Cytogenetic location: Xq26.1.
Variant type: single nucleotide variant.
Coding change: c.1461C>T on transcript NM_001555.5 (MANE Select); coding-DNA position 1461, C replaced by T.
Protein change: p.Arg487=; no amino-acid change (arginine 487 retained).
Molecular consequence: synonymous variant.
Genome position (GRCh38, 1-based): chrX:131,281,730, G>A on the plus strand (C>T on the coding strand, the complement: IGSF1 is on the minus strand). VCF-style: chrX-131281730-G-A. GRCh37 (hg19) VCF-style: chrX-130415704-G-A.
Other names: c.1461C>T, p.Arg487= (NM_001170961.2); c.1434C>T, p.Arg478= (NM_001170962.2).
Identifiers: ClinVar variation 3047737 (VCV003047737.2), dbSNP rs149158944, ClinGen allele CA10518012.